The following is an entry in ClinVar:

ClinVar aggregate classification (germline): Conflicting classifications of pathogenicity. Review status: criteria provided, conflicting classifications (1 of 4 stars). 3 submissions from 3 submitters: Uncertain significance (1); Benign (1); Likely benign (1). Last evaluated 2025-10-11.

Conditions:
Breast-ovarian cancer, familial, susceptibility to, 4. Identifiers: Orphanet 145, MedGen C3280345, MONDO:0013669, OMIM 614291.

Submissions (3):

Quest Diagnostics Nichols Institute San Juan Capistrano
Classification: Uncertain significance. Last evaluated: 2025-10-11. Review status: criteria provided, single submitter. Criteria: Quest Diagnostics criteria. Collection method: clinical testing. Allele origin: unknown.
Comment: The RAD51D c.714C>A (p.Ala238=) synonymous variant has not been reported in individuals with RAD51D-related conditions in the published literature. This variant has not been reported in large, multi-ethnic general populations (Genome Aggregation Database). Analysis of this variant using software algorithms for the prediction of the effect of nucleotide changes on splicing yielded predictions that this variant does not affect RAD51D mRNA splicing. Based on the available information, we are unable to determine the clinical significance of this variant.

Labcorp Genetics (formerly Invitae), Labcorp
Classification: Likely benign for Breast-ovarian cancer, familial, susceptibility to, 4. Last evaluated: 2025-09-24. Review status: criteria provided, single submitter. Criteria: Invitae Variant Classification Sherloc (09022015). Collection method: clinical testing. Allele origin: germline.

Myriad Genetics, Inc.
Classification: Benign for Breast-ovarian cancer, familial, susceptibility to, 4. Last evaluated: 2025-02-24. Review status: criteria provided, single submitter. Criteria: Myriad Autosomal Dominant, Autosomal Recessive and X-Linked Classification Criteria (2023). Collection method: clinical testing. Allele origin: unknown.
Comment: This variant is considered benign. This variant is a silent/synonymous amino acid change and it is not expected to impact splicing.

NM_002878.4(RAD51D):c.714C>A (p.Ala238=)

Genes: RAD51L3-RFFL (RAD51L3-RFFL readthrough; minus strand), RAD51D (RAD51 paralog D; minus strand). Cytogenetic location: 17q12.
Variant type: single nucleotide variant.
Coding change: c.714C>A on transcript NM_002878.4 (MANE Select); coding-DNA position 714, C replaced by A.
Protein change: p.Ala238=; no amino-acid change (alanine 238 retained).
Molecular consequence: synonymous variant. On other transcripts: non-coding transcript variant (3).
Genome position (GRCh38, 1-based): chr17:35,103,278, G>T on the plus strand (C>A on the coding strand, the complement: RAD51D is on the minus strand). VCF-style: chr17-35103278-G-T. GRCh37 (hg19) VCF-style: chr17-33430297-G-T.
Other names: c.714C>A (NM_002878.3); c.774C>A, p.Ala258= (NM_001142571.2); c.378C>A, p.Ala126= (NM_133629.3).
Identifiers: ClinVar variation 1114003 (VCV001114003.9), dbSNP rs780258990, ClinGen allele CA499730351.